The following is an entry in ClinVar:

ClinVar aggregate classification (germline): Likely pathogenic (1 of 4 stars; one submission).

Submission:

GeneDx
Classification: Likely pathogenic. Last evaluated: 2020-11-23. Review status: criteria provided, single submitter. Criteria: GeneDx Variant Classification Process June 2021. Collection method: clinical testing. Allele origin: germline. Affected: yes.
Comment: Frameshift variant predicted to result in protein truncation or nonsense mediated decay in a gene for which loss-of-function is a known mechanism of disease; Not observed in large population cohorts (Lek et al., 2016); Has not been previously published as pathogenic or benign to our knowledge

NM_001044385.3(TMEM237):c.769_772dup (p.Leu258fs)

Gene: TMEM237 (transmembrane protein 237; minus strand). Cytogenetic location: 2q33.1.
Variant type: Duplication.
Coding change: c.769_772dup on transcript NM_001044385.3 (MANE Select); coding-DNA positions 769 to 772, 4 bases duplicated (AACC; older notation c.769_772dupAACC).
Protein change: p.Leu258fs; shifts the reading frame from leucine 258.
Molecular consequence: frameshift variant.
Genome position (GRCh38, 1-based): chr2:201,629,327-201,629,330, GGTT duplicated on the plus strand (AACC on the coding strand, the reverse complement: TMEM237 is on the minus strand); duplicating any 4 consecutive bases within chr2:201,629,327-201,629,332 gives the same sequence; the c. name uses the placement nearest the transcript's 3' end. VCF-style (leftmost placement, unchanged base first): chr2-201629326-A-AGGTT. GRCh37 (hg19) VCF-style: chr2-202494049-A-AGGTT.
Other names: c.745_748dup, p.Leu250fs (NM_152388.4); c.769_772dupAACC (NM_001044385.2); short protein forms L250fs, L258fs.
Identifiers: ClinVar variation 504165 (VCV000504165.3), dbSNP rs1553660344, ClinGen allele CA658796145.
Genomic context (GRCh38, chr2:201,629,326, plus strand): 5'-AAGTACAGAAGACTCTGGAATGGATACGCTAGGGTCTTGTATTGTTGCAGAAGGTTTGAG[A>AGGTT]GGTTGGATAGCTGATCTCCTGCTAGAACATATATCACAACAATATTCCACACAGCACAGC-3'